The following is an entry in ClinVar:

NM_033100.4(CDHR1):c.923C>A (p.Pro308Gln)

Gene: CDHR1 (cadherin related family member 1; plus strand). Cytogenetic location: 10q23.1.
Variant type: single nucleotide variant.
Coding change: c.923C>A on transcript NM_033100.4 (MANE Select); coding-DNA position 923, C replaced by A.
Protein change: p.Pro308Gln; replaces proline 308 with glutamine.
Molecular consequence: missense variant.
Genome position (GRCh38, 1-based): chr10:84,205,887, C>A. VCF-style: chr10-84205887-C-A. GRCh37 (hg19) VCF-style: chr10-85965643-C-A.
Other names: c.923C>A (NM_033100.2); c.923C>A, p.Pro308Gln (NM_001171971.3); short protein forms P308Q.
Identifiers: ClinVar variation 1484906 (VCV001484906.6), dbSNP rs772469430, ClinGen allele CA5579776.

ClinVar aggregate classification (germline): Uncertain significance. Review status: criteria provided, multiple submitters, no conflicts (2 of 4 stars). 3 submissions from 3 submitters: Uncertain significance (3). Last evaluated 2024-08-12.

Conditions:
Inborn genetic diseases. Identifiers: MedGen C0950123, MeSH D030342.

Allele frequency attached by ClinVar (database versions not stated): ExAC 0.00009.
gnomAD v4.1: 53 of 1,614,070 alleles (0.0033%); highest among the groups gnomAD compares: South Asian, 0.053%; 1 homozygote.

Submissions (3):

Blueprint Genetics
Classification: Uncertain significance. Last evaluated: 2024-08-12. Review status: criteria provided, single submitter. Criteria: ACMG Guidelines, 2015. Collection method: clinical testing. Allele origin: germline.

Ambry Genetics
Classification: Uncertain significance for Inborn genetic diseases. Last evaluated: 2023-05-31. Review status: criteria provided, single submitter. Criteria: Ambry Variant Classification Scheme 2023. Collection method: clinical testing. Allele origin: germline.

Labcorp Genetics (formerly Invitae), Labcorp
Classification: Uncertain significance. Last evaluated: 2022-07-12. Review status: criteria provided, single submitter. Criteria: Invitae Variant Classification Sherloc (09022015). Collection method: clinical testing. Allele origin: germline.
Comment: This sequence change replaces proline, which is neutral and non-polar, with glutamine, which is neutral and polar, at codon 308 of the CDHR1 protein (p.Pro308Gln). This variant is present in population databases (rs772469430, gnomAD 0.05%). This variant has not been reported in the literature in individuals affected with CDHR1-related conditions. ClinVar contains an entry for this variant (Variation ID: 1484906). Algorithms developed to predict the effect of missense changes on protein structure and function are either unavailable or do not agree on the potential impact of this missense change (SIFT: "Deleterious"; PolyPhen-2: "Probably Damaging"; Align-GVGD: "Class C0"). In summary, the available evidence is currently insufficient to determine the role of this variant in disease. Therefore, it has been classified as a Variant of Uncertain Significance.